The following is an entry in ClinVar:

ClinVar aggregate classification (germline): Uncertain significance (1 of 4 stars; one submission).

Submission:

Greenwood Genetic Center Diagnostic Laboratories, Greenwood Genetic Center
Classification: Uncertain significance. Last evaluated: 2022-07-26. Review status: criteria provided, single submitter. Criteria: ACMG Guidelines, 2015. Collection method: clinical testing. Allele origin: germline. Affected: yes.
Comment: Gene of Uncertain Significance

NM_020546.3(ADCY2):c.1025A>G (p.Tyr342Cys)

Gene: ADCY2 (adenylate cyclase 2; plus strand). Cytogenetic location: 5p15.31.
Variant type: single nucleotide variant.
Coding change: c.1025A>G on transcript NM_020546.3 (MANE Select); coding-DNA position 1025, A replaced by G.
Protein change: p.Tyr342Cys; replaces tyrosine 342 with cysteine.
Molecular consequence: missense variant.
Genome position (GRCh38, 1-based): chr5:7,698,290, A>G. VCF-style: chr5-7698290-A-G. GRCh37 (hg19) VCF-style: chr5-7698403-A-G.
Other names: short protein forms Y342C.
Identifiers: ClinVar variation 1710455 (VCV001710455.3), dbSNP rs2477851312, ClinGen allele CA359165427.